The following is an entry in ClinVar:

NM_183050.4(BCKDHB):c.756_759del (p.Ile253fs)

Gene: BCKDHB (branched chain keto acid dehydrogenase E1 subunit beta; plus strand). Cytogenetic location: 6q14.1.
Variant type: Deletion.
Coding change: c.756_759del on transcript NM_183050.4 (MANE Select); coding-DNA positions 756 to 759, 4 bases deleted (TATA; older notation c.756_759delTATA).
Protein change: p.Ile253fs; shifts the reading frame from isoleucine 253.
Molecular consequence: frameshift variant. On other transcripts: non-coding transcript variant (6).
Genome position (GRCh38, 1-based): chr6:80,200,947-80,200,950, TATA deleted. VCF-style (leftmost placement, unchanged base first): chr6-80200946-CTATA-C. GRCh37 (hg19) VCF-style: chr6-80910663-CTATA-C.
Other names: p.Ile253Asnfs*21; c.756_759delTATA (NM_183050.3); c.756_759del, p.Ile253fs (NM_001424039.1, NM_001424040.1, NM_001424041.1 and 7 more transcripts); c.546_549del, p.Ile183fs (NM_001424043.1, NM_001318975.1); short protein forms I183fs, I253fs.
Identifiers: ClinVar variation 2798713 (VCV002798713.5), dbSNP rs779370354, ClinGen allele CA3902754.

ClinVar aggregate classification (germline): Pathogenic/Likely pathogenic. Review status: criteria provided, multiple submitters, no conflicts (2 of 4 stars). 3 submissions from 3 submitters: Pathogenic (1); Likely pathogenic (2). Last evaluated 2025-09-16.

Conditions:
Maple syrup urine disease type 1B (MSUD1B). Also called: MSUD type IB; MSUD type 3 (formerly); MSUD due to deficiency of e1-beta subunit of branched-chain alpha-keto acid dehydrogenase complex. Identifiers: MedGen C2930990, MONDO:0023692, OMIM 620698.
Maple syrup urine disease (MSUD). Identifiers: Orphanet 511, MedGen C0024776, MeSH D008375, MONDO:0009563. Disease mechanism: loss of function.

Allele frequency attached by ClinVar (database versions not stated): TOPMed below 0.00001; ExAC 0.00001; gnomAD 0.00001.

Submissions (3):

Natera, Inc.
Classification: Likely pathogenic for Maple syrup urine disease type 1B. Last evaluated: 2025-09-16. Review status: criteria provided, single submitter. Criteria: Natera Variant Classification Schema (03/2026). Collection method: clinical testing. Allele origin: germline.
Comment: The c.756_759delTATA variant in BCKDHB is a frameshift variant predicted to shift the reading frame beginning at codon 253 and leads to a stop codon 21 codons downstream. This variant is expected to result in nonsense mediated decay, truncation, or a dysfunctional protein product. This variant is rare in the general population with a frequency below the threshold expected for the associated phenotype(s). Given the available evidence, this variant is classified as Likely Pathogenic.

Mayo Clinic Laboratories, Mayo Clinic
Classification: Likely pathogenic. Last evaluated: 2024-09-11. Review status: criteria provided, single submitter. Criteria: ACMG Guidelines, 2015. Collection method: clinical testing. Allele origin: germline. Observed: 1 variant allele.
Comment: PM2, PVS1

Labcorp Genetics (formerly Invitae), Labcorp
Classification: Pathogenic for Maple syrup urine disease. Last evaluated: 2023-12-28. Review status: criteria provided, single submitter. Criteria: Invitae Variant Classification Sherloc (09022015). Collection method: clinical testing. Allele origin: germline.
Comment: This sequence change creates a premature translational stop signal (p.Ile253Asnfs*21) in the BCKDHB gene. It is expected to result in an absent or disrupted protein product. Loss-of-function variants in BCKDHB are known to be pathogenic (PMID: 16786533, 22593002). This variant is present in population databases (rs779370354, gnomAD 0.0009%). This variant has not been reported in the literature in individuals affected with BCKDHB-related conditions. For these reasons, this variant has been classified as Pathogenic.

Literature cited by the submitters: PubMed 16786533 (cited by Labcorp Genetics (formerly Invitae), Labcorp); PubMed 22593002 (cited by Labcorp Genetics (formerly Invitae), Labcorp).